The following is an entry in ClinVar:

ClinVar aggregate classification (germline): Conflicting classifications of pathogenicity. Review status: criteria provided, conflicting classifications (1 of 4 stars). 13 submissions from 13 submitters: Uncertain significance (2); Benign (1); Likely benign (7). 3 of the submissions do not count toward it. Last evaluated 2026-08-01.

Conditions:
Hereditary spastic paraplegia 39 (SPG39). Also called: Spastic Paraplegia Type 39 (SPG39); SPASTIC PARAPLEGIA 39, AUTOSOMAL RECESSIVE. Identifiers: Orphanet 139480, MedGen C2677586, MONDO:0012787, OMIM 612020.
PNPLA6-related disorder. Also called: PNPLA6-related condition; PNPLA6-related disorders.
Hereditary spastic paraplegia. Also called: Familial spastic paraparesis. Identifiers: Orphanet 685, MedGen C0037773, MONDO:0019064. Disease mechanism: loss of function.

Allele frequency attached by ClinVar (database versions not stated): 1000 Genomes Project 0.00020; 1000 Genomes Project 30x 0.00062; TOPMed 0.00156; gnomAD 0.00159 and 0.00160; ESP Exome Variant Server 0.00208.
gnomAD v4.1: 3,507 of 1,614,138 alleles (0.22%); highest among the groups gnomAD compares: Non-Finnish European, 0.26%; 4 homozygotes.

Submissions (13):

CeGaT Center for Human Genetics Tuebingen
Classification: Likely benign. Last evaluated: 2026-08-01. Review status: criteria provided, single submitter. Criteria: CeGaT Center For Human Genetics Tuebingen Variant Classification Criteria Version 2. Collection method: clinical testing. Allele origin: germline. Affected: yes. Observed: 8 variant alleles.
Comment: PNPLA6: BP4

Labcorp Genetics (formerly Invitae), Labcorp
Classification: Benign for Hereditary spastic paraplegia 39. Last evaluated: 2026-01-27. Review status: criteria provided, single submitter. Criteria: Invitae Variant Classification Sherloc (09022015). Collection method: clinical testing. Allele origin: germline.

Athena Diagnostics
Classification: Likely benign. Last evaluated: 2025-06-10. Review status: criteria provided, single submitter. Criteria: Athena Diagnostics Criteria. Collection method: clinical testing. Allele origin: unknown.
Comment: The frequency of this variant in the general population is higher than would generally be expected for pathogenic variants in this gene. Computational tools predict this amino acid change may be benign.

Blueprint Genetics
Classification: Likely benign. Last evaluated: 2024-11-27. Review status: criteria provided, single submitter. Criteria: ACMG Guidelines, 2015. Collection method: clinical testing. Allele origin: germline.

Mayo Clinic Laboratories, Mayo Clinic
Classification: Likely benign. Last evaluated: 2024-11-25. Review status: criteria provided, single submitter. Criteria: ACMG Guidelines, 2015. Collection method: clinical testing. Allele origin: germline. Observed: 8 variant alleles.
Comment: BS1, BP4

GeneDx
Classification: Likely benign. Last evaluated: 2021-05-03. Review status: criteria provided, single submitter. Criteria: GeneDx Variant Classification Process June 2021. Collection method: clinical testing. Allele origin: germline. Affected: yes.
Comment: This variant is associated with the following publications: (PMID: 30564185)

Genome Diagnostics Laboratory, The Hospital for Sick Children
Classification: Uncertain significance for Hereditary spastic paraplegia. Last evaluated: 2018-02-01. Review status: criteria provided, single submitter. Criteria: ACMG Guidelines, 2015. Collection method: clinical testing. Allele origin: germline. Affected: yes.

Illumina Laboratory Services, Illumina
Classification: Uncertain significance for Hereditary spastic paraplegia 39. Last evaluated: 2018-01-12. Review status: criteria provided, single submitter. Criteria: ICSL Variant Classification Criteria 13 December 2019. Collection method: clinical testing. Allele origin: germline.

Clinical Genetics DNA and cytogenetics Diagnostics Lab, Erasmus MC, Erasmus Medical Center
Classification: Likely benign for Hereditary spastic paraplegia 39. Last evaluated: 2017-05-05. Review status: criteria provided, single submitter. Criteria: ACGS Guidelines, 2013. Collection method: clinical testing. Allele origin: germline. Affected: yes. Study: VKGL Data-share Consensus.

Genome Diagnostics Laboratory, University Medical Center Utrecht
Classification: Likely benign for Hereditary spastic paraplegia 39. Last evaluated: 2014-10-09. Review status: criteria provided, single submitter. Criteria: ACGS Guidelines, 2013. Collection method: clinical testing. Allele origin: germline. Affected: yes. Study: VKGL Data-share Consensus.

PreventionGenetics, part of Exact Sciences
Classification: Likely benign for PNPLA6-related condition. Last evaluated: 2022-12-29. Review status: no assertion criteria provided. Collection method: clinical testing. Allele origin: germline. Not counted in ClinVar's aggregate classification.
Comment: This variant is classified as likely benign based on ACMG/AMP sequence variant interpretation guidelines (Richards et al. 2015 PMID: 25741868, with internal and published modifications).

Clinical Genetics, Academic Medical Center
Classification: Likely benign. Review status: no assertion criteria provided. Collection method: clinical testing. Allele origin: germline. Affected: yes. Study: VKGL Data-share Consensus. Not counted in ClinVar's aggregate classification.

Diagnostic Laboratory, Department of Genetics, University Medical Center Groningen
Classification: Likely benign for Hereditary spastic paraplegia 39. Review status: no assertion criteria provided. Collection method: clinical testing. Allele origin: germline. Affected: yes. Study: VKGL Data-share Consensus. Not counted in ClinVar's aggregate classification.

Literature cited by the submitters: PubMed 30564185 (cited by Athena Diagnostics and Mayo Clinic Laboratories, Mayo Clinic); PubMed 33141049 (cited by Athena Diagnostics); PubMed 32758583 (cited by Athena Diagnostics and Mayo Clinic Laboratories, Mayo Clinic); PubMed 35198007 (cited by Athena Diagnostics).

NM_001166114.2(PNPLA6):c.2359G>A (p.Val787Met)

Gene: PNPLA6 (patatin like domain 6, lysophospholipase; plus strand). Cytogenetic location: 19p13.2.
Variant type: single nucleotide variant.
Coding change: c.2359G>A on transcript NM_001166114.2 (MANE Select); coding-DNA position 2359, G replaced by A.
Protein change: p.Val787Met; replaces valine 787 with methionine.
Molecular consequence: missense variant.
Genome position (GRCh38, 1-based): chr19:7,553,973, G>A. VCF-style: chr19-7553973-G-A. GRCh37 (hg19) VCF-style: chr19-7618859-G-A.
Other names: c.2389G>A, p.Val797Met (NM_001166111.2); c.2164G>A, p.Val722Met (NM_001166112.2); c.2245G>A, p.Val749Met (NM_001166113.1, NM_006702.5); short protein forms V749M, V797M, V787M, V722M.
Identifiers: ClinVar variation 425159 (VCV000425159.69), dbSNP rs145988230, ClinGen allele CA9140064.
Genomic context (GRCh38, chr19:7,553,973, plus strand): 5'-AACCCAGCCAGCAACCTGGCAACTGTGGCAATCCTGCCTGTGTGTGCTGAGGTCCCCATG[G>A]TGGCCTTCACGCTGGAGCTGCAGCACGCCCTGCAGGCCATCGGTCAGTGGGGTGAGGGTC-3'
Protein context (NP_001159586.1, residues 777-797): ILPVCAEVPM[Val787Met]AFTLELQHAL